The following is an entry in ClinVar:

ClinVar aggregate classification (germline): Uncertain significance (1 of 4 stars; one submission).

Conditions:
Deficiency of 3-hydroxyacyl-CoA dehydrogenase. Also called: HADH DEFICIENCY; 3-hydroxyacyl-CoA dehydrogenase deficiency. Identifiers: Orphanet 309127, Orphanet 71212, MedGen C1291230, MONDO:0017715, OMIM 231530.

Allele frequency attached by ClinVar (database versions not stated): gnomAD exomes below 0.00001 and 0.00001; TOPMed 0.00001; gnomAD 0.00002.
gnomAD v4.1: 20 of 1,514,136 alleles (0.0013%); highest among the groups gnomAD compares: Non-Finnish European, 0.0017%; no homozygotes.

Submission:

Labcorp Genetics (formerly Invitae), Labcorp
Classification: Uncertain significance for Deficiency of 3-hydroxyacyl-CoA dehydrogenase. Last evaluated: 2022-05-27. Review status: criteria provided, single submitter. Criteria: Invitae Variant Classification Sherloc (09022015). Collection method: clinical testing. Allele origin: germline.
Comment: This sequence change replaces isoleucine, which is neutral and non-polar, with valine, which is neutral and non-polar, at codon 273 of the HADH protein (p.Ile273Val). This variant is present in population databases (no rsID available, gnomAD 0.002%). This variant has not been reported in the literature in individuals affected with HADH-related conditions. Algorithms developed to predict the effect of missense changes on protein structure and function (SIFT, PolyPhen-2, Align-GVGD) all suggest that this variant is likely to be tolerated. In summary, the available evidence is currently insufficient to determine the role of this variant in disease. Therefore, it has been classified as a Variant of Uncertain Significance.

NM_005327.7(HADH):c.817A>G (p.Ile273Val)

Gene: HADH (hydroxyacyl-CoA dehydrogenase; plus strand). Cytogenetic location: 4q25.
Variant type: single nucleotide variant.
Coding change: c.817A>G on transcript NM_005327.7 (MANE Select); coding-DNA position 817, A replaced by G.
Protein change: p.Ile273Val; replaces isoleucine 273 with valine.
Molecular consequence: missense variant.
Genome position (GRCh38, 1-based): chr4:108,033,283, A>G. VCF-style: chr4-108033283-A-G. GRCh37 (hg19) VCF-style: chr4-108954439-A-G.
Other names: c.868A>G, p.Ile290Val (NM_001184705.4); c.829A>G, p.Ile277Val (NM_001331027.2); short protein forms I273V, I277V, I290V.
Identifiers: ClinVar variation 1441524 (VCV001441524.3), dbSNP rs1404810726, ClinGen allele CA357830315.
Genomic context (GRCh38, chr4:108,033,283, plus strand): 5'-GGTTACCCCATGGGCCCATTTGAGCTTCTAGATTATGTCGGACTGGATACTACGAAGTTC[A>G]TCGTGGATGGTAGGAATTGGAATTTTTTGTTGTCTTTAATTGAGGTAGTTTTTCTGAACT-3'
Protein context (NP_005318.6, residues 263-283): DYVGLDTTKF[Ile273Val]VDGWHEMDAE